The following is an entry in ClinVar:

NM_023110.3(FGFR1):c.70del (p.Ser24fs)

Gene: FGFR1 (fibroblast growth factor receptor 1; minus strand). Cytogenetic location: 8p11.23.
Variant type: Deletion.
Coding change: c.70del on transcript NM_023110.3 (MANE Select); coding-DNA position 70, one base deleted (T; older notation c.70delT).
Protein change: p.Ser24fs; shifts the reading frame from serine 24.
Molecular consequence: frameshift variant. On other transcripts: 5 prime UTR variant (1).
Genome position (GRCh38, 1-based): chr8:38,457,377, A deleted on the plus strand (T on the coding strand, the reverse complement: FGFR1 is on the minus strand). VCF-style (leftmost placement, unchanged base first): chr8-38457376-GA-G. GRCh37 (hg19) VCF-style: chr8-38314894-GA-G.
Other names: c.70delT, p.Ser24Profs (NM_000604.2, NM_023110.2); c.70del, p.Ser24fs (NM_001174063.2, NM_001174065.2, NM_001174066.2 and 8 more transcripts); c.-23del (NM_001174064.2); c.169del, p.Ser57fs (NM_001174067.2); short protein forms S24fs, S57fs.
Identifiers: ClinVar variation 2505459 (VCV002505459.1), dbSNP rs2537841227, ClinGen allele CA2580614331.
Genomic context (GRCh38, chr8:38,457,376, plus strand): 5'-AAGGCCCAGGAGTCCAGGCTGCCCCCAGCCAGCACCTTACCTTGTTCAGGCAAGGTCGGG[GA>G]CGGCCTAGCGGTGCAGAGTGTGGCTGTGACCAGCACAGCCCAGAAGAGGAGGCACTTCCA-3'

ClinVar aggregate classification (germline): Pathogenic (1 of 4 stars; one submission).

Conditions:
Hypogonadotropic hypogonadism 2 with or without anosmia (HH2). Also called: FGFR1-Related GnRH Deficiency (Kallmann Syndrome 2); HYPOGONADOTROPIC HYPOGONADISM 2 WITHOUT ANOSMIA; HYPOGONADOTROPIC HYPOGONADISM 2 WITH OR WITHOUT ANOSMIA, SUSCEPTIBILITY TO; HYPOGONADOTROPIC HYPOGONADISM 2 WITHOUT ANOSMIA, SUSCEPTIBILITY TO. Identifiers: Orphanet 478, MedGen C1563720, MONDO:0007844, OMIM 147950. Disease mechanism: loss of function.

Submission:

Reproductive Endocrine Unit, Massachusetts General Hospital
Classification: Pathogenic for Hypogonadotropic hypogonadism 2 with or without anosmia. Last evaluated: 2023-05-04. Review status: criteria provided, single submitter. Criteria: ACMG Guidelines, 2015. Collection method: research. Allele origin: unknown. Affected: yes. Observed: 1 variant allele.
Comment: The variant NM_023110.2:c.70del, p.(Ser24Profs*79) het has been classified as P1c based on the variant meeting the following ACMG Criteria: PVS1,PM2,PP3.